The following is an entry in ClinVar:

NM_016194.4(GNB5):c.417+75C>T

Gene: GNB5 (G protein subunit beta 5; minus strand). Cytogenetic location: 15q21.2.
Variant type: single nucleotide variant.
Coding change: c.417+75C>T on transcript NM_016194.4 (MANE Select); 75 bases into the intron after coding-DNA position 417, C replaced by T.
Molecular consequence: intron variant.
Genome position (GRCh38, 1-based): chr15:52,149,809, G>A on the plus strand (C>T on the coding strand, the complement: GNB5 is on the minus strand). VCF-style: chr15-52149809-G-A. GRCh37 (hg19) VCF-style: chr15-52442006-G-A.
Other names: c.291+75C>T (NM_006578.4); c.135+75C>T (NM_001379343.1).
Identifiers: ClinVar variation 3388465 (VCV003388465.14).
Genomic context (GRCh38, chr15:52,149,809, plus strand): 5'-TTCCATCCGTAGAGGCAACTGCTTGCAGGGATACATGGAGAGAAATCAGGACAGGGCCGG[G>A]CAGCTGGACCAGAGCACCTTTAAGTAGGCTGGGATTCTGAAGCCTCTATAACGTGGCTGG-3'

ClinVar aggregate classification (germline): Likely benign (1 of 4 stars; one submission).

gnomAD v4.1: 13 of 1,073,262 alleles (0.0012%); highest among the groups gnomAD compares: Non-Finnish European, 0.0016%; no homozygotes.

Submission:

CeGaT Center for Human Genetics Tuebingen
Classification: Likely benign. Last evaluated: 2024-10-01. Review status: criteria provided, single submitter. Criteria: CeGaT Center For Human Genetics Tuebingen Variant Classification Criteria Version 2. Collection method: clinical testing. Allele origin: germline. Affected: yes. Observed: 1 variant allele.
Comment: GNB5: BP4, BP7